The following is an entry in ClinVar:

ClinVar aggregate classification (germline): Likely benign (1 of 4 stars; one submission).

Submission:

GeneDx
Classification: Likely benign. Last evaluated: 2018-06-14. Review status: criteria provided, single submitter. Criteria: GeneDx Variant Classification (06012015). Collection method: clinical testing. Allele origin: germline. Affected: yes.
Comment: This variant is considered likely benign or benign based on one or more of the following criteria: it is a conservative change, it occurs at a poorly conserved position in the protein, it is predicted to be benign by multiple in silico algorithms, and/or has population frequency not consistent with disease.

NM_006329.4(FBLN5):c.-172del

Gene: FBLN5 (fibulin 5; minus strand). Cytogenetic location: 14q32.12.
Variant type: Deletion.
Coding change: c.-172del on transcript NM_006329.4 (MANE Select); 172 bases upstream of the start codon, one base deleted (G; older notation c.-172delG).
Molecular consequence: 5 prime UTR variant.
Genome position (GRCh38, 1-based): chr14:91,947,401, C deleted on the plus strand (G on the coding strand, the reverse complement: FBLN5 is on the minus strand); the first of 3 consecutive C bases (chr14:91,947,401-91,947,403); deleting any one gives the same sequence. VCF-style (leftmost placement, unchanged base first): chr14-91947400-TC-T. GRCh37 (hg19) VCF-style: chr14-92413744-TC-T.
Other names: c.-172_-172delG (NM_006329.3); c.-172del (NM_001384158.1, NM_001384160.1); c.-441del (NM_001384161.1, NM_001384162.1).
Identifiers: ClinVar variation 677896 (VCV000677896.1), dbSNP rs140759267, ClinGen allele CA265616123.